The following is an entry in ClinVar:

ClinVar aggregate classification (germline): Uncertain significance (1 of 4 stars; one submission).

Conditions:
Inborn genetic diseases. Identifiers: MedGen C0950123, MeSH D030342.

Submission:

Ambry Genetics
Classification: Uncertain significance for Inborn genetic diseases. Last evaluated: 2026-03-23. Review status: criteria provided, single submitter. Criteria: Ambry Variant Classification Scheme 2023. Collection method: clinical testing. Allele origin: germline.
Comment: The p.R459S variant (also known as c.1377A>T), located in coding exon 10 of the BMPR2 gene, results from an A to T substitution at nucleotide position 1377. The arginine at codon 459 is replaced by serine, an amino acid with dissimilar properties. This amino acid position is conserved. In addition, this alteration is predicted to be deleterious by in silico analysis. Based on the available evidence, the clinical significance of this variant remains unclear.

NM_001204.7(BMPR2):c.1377A>T (p.Arg459Ser)

Gene: BMPR2 (bone morphogenetic protein receptor type 2; plus strand). Cytogenetic location: 2q33.2.
Variant type: single nucleotide variant.
Coding change: c.1377A>T on transcript NM_001204.7 (MANE Select); coding-DNA position 1377, A replaced by T.
Protein change: p.Arg459Ser; replaces arginine 459 with serine.
Molecular consequence: missense variant.
Genome position (GRCh38, 1-based): chr2:202,542,411, A>T. VCF-style: chr2-202542411-A-T. GRCh37 (hg19) VCF-style: chr2-203407134-A-T.
Other names: short protein forms R459S.
Identifiers: ClinVar variation 4867580 (VCV004867580.1).